The following is an entry in ClinVar:

ClinVar aggregate classification (germline): Uncertain significance. Review status: criteria provided, multiple submitters, no conflicts (2 of 4 stars). 5 submissions from 3 submitters: Uncertain significance (5). Last evaluated 2025-03-24.

Conditions:
Autosomal dominant nonsyndromic hearing loss 11. Identifiers: Orphanet 90635, MedGen C1832475, MONDO:0011032, OMIM 601317.
Autosomal recessive nonsyndromic hearing loss 2. Also called: NEUROSENSORY NONSYNDROMIC RECESSIVE DEAFNESS 2; DEAFNESS, AUTOSOMAL RECESSIVE 2. Identifiers: Orphanet 90636, MedGen C1838701, MONDO:0010807, OMIM 600060.
Usher syndrome type 1 (USH1). Also called: RETINITIS PIGMENTOSA AND CONGENITAL DEAFNESS. Identifiers: Orphanet 231169, Orphanet 886, MedGen C1568247, MONDO:0010168, OMIM 276900.

Allele frequency attached by ClinVar (database versions not stated): TOPMed below 0.00001; gnomAD 0.00001; gnomAD exomes 0.00001.
gnomAD v4.1: 8 of 1,602,922 alleles (0.0005%); highest among the groups gnomAD compares: Non-Finnish European, 0.00068%; no homozygotes.

Submissions (5):

Labcorp Genetics (formerly Invitae), Labcorp
Classification: Uncertain significance. Last evaluated: 2025-03-24. Review status: criteria provided, single submitter. Criteria: Invitae Variant Classification Sherloc (09022015). Collection method: clinical testing. Allele origin: germline.
Comment: This sequence change replaces aspartic acid, which is acidic and polar, with histidine, which is basic and polar, at codon 1951 of the MYO7A protein (p.Asp1951His). This variant is not present in population databases (gnomAD no frequency). This variant has not been reported in the literature in individuals affected with MYO7A-related conditions. ClinVar contains an entry for this variant (Variation ID: 306199). Invitae Evidence Modeling of protein sequence and biophysical properties (such as structural, functional, and spatial information, amino acid conservation, physicochemical variation, residue mobility, and thermodynamic stability) indicates that this missense variant is expected to disrupt MYO7A protein function with a positive predictive value of 95%. In summary, the available evidence is currently insufficient to determine the role of this variant in disease. Therefore, it has been classified as a Variant of Uncertain Significance.

Blueprint Genetics
Classification: Uncertain significance. Last evaluated: 2021-09-26. Review status: criteria provided, single submitter. Criteria: ACMG Guidelines, 2015. Collection method: clinical testing. Allele origin: germline.

Illumina Laboratory Services, Illumina
Classification: Uncertain significance for Autosomal dominant nonsyndromic hearing loss 11. Last evaluated: 2018-01-12. Review status: criteria provided, single submitter. Criteria: ICSL Variant Classification Criteria 13 December 2019. Collection method: clinical testing. Allele origin: germline.

Illumina Laboratory Services, Illumina
Classification: Uncertain significance for Autosomal recessive nonsyndromic hearing loss 2. Last evaluated: 2018-01-12. Review status: criteria provided, single submitter. Criteria: ICSL Variant Classification Criteria 13 December 2019. Collection method: clinical testing. Allele origin: germline.

Illumina Laboratory Services, Illumina
Classification: Uncertain significance for Usher syndrome type 1. Last evaluated: 2018-01-12. Review status: criteria provided, single submitter. Criteria: ICSL Variant Classification Criteria 13 December 2019. Collection method: clinical testing. Allele origin: germline.

NM_000260.4(MYO7A):c.5851G>C (p.Asp1951His)

Gene: MYO7A (myosin VIIA; plus strand). Cytogenetic location: 11q13.5.
Variant type: single nucleotide variant.
Coding change: c.5851G>C on transcript NM_000260.4 (MANE Select); coding-DNA position 5851, G replaced by C.
Protein change: p.Asp1951His; replaces aspartic acid 1951 with histidine.
Molecular consequence: missense variant.
Genome position (GRCh38, 1-based): chr11:77,207,397, G>C. VCF-style: chr11-77207397-G-C. GRCh37 (hg19) VCF-style: chr11-76918442-G-C.
Other names: c.5737G>C, p.Asp1913His (NM_001127180.2); c.5704G>C, p.Asp1902His (NM_001369365.1); short protein forms D1951H, D1913H, D1902H.
Identifiers: ClinVar variation 306199 (VCV000306199.10), dbSNP rs767931313, ClinGen allele CA10635715.
Genomic context (GRCh38, chr11:77,207,397, plus strand): 5'-ATCGCCACCAGGCTGCTCCTCAAGTCCTCAGAGGGATTCAGCCTCTTTGTCAAAATTGCA[G>C]ACAAGGTGGGTCCTTTGCCACCTTCGCCAAGGTGGGAGATTTGCTGGGGCCATAGGAACT-3'
Protein context (NP_000251.3, residues 1941-1961): EGFSLFVKIA[Asp1951His]KVLSVPENDF